The following is an entry in ClinVar:

ClinVar aggregate classification (germline): Conflicting classifications of pathogenicity. Review status: criteria provided, conflicting classifications (1 of 4 stars). 6 submissions from 6 submitters: Uncertain significance (1); Likely benign (4). 1 of the submissions does not count toward it. Last evaluated 2026-06-01.

Conditions:
Inborn genetic diseases. Identifiers: MedGen C0950123, MeSH D030342.
TRIOBP-related disorder. Also called: TRIOBP-related condition.

Allele frequency attached by ClinVar (database versions not stated): 1000 Genomes Project 0.00100; TOPMed 0.00131; gnomAD exomes 0.00155 and 0.00178; gnomAD 0.00160 and 0.00167; ExAC 0.00179; ESP Exome Variant Server 0.00179.
gnomAD v4.1: 2,778 of 1,591,822 alleles (0.17%); highest among the groups gnomAD compares: Non-Finnish European, 0.21%; 3 homozygotes.

Submissions (7):

CeGaT Center for Human Genetics Tuebingen
Classification: Likely benign. Last evaluated: 2026-06-01. Review status: criteria provided, single submitter. Criteria: CeGaT Center For Human Genetics Tuebingen Variant Classification Criteria Version 2. Collection method: clinical testing. Allele origin: germline. Affected: yes. Observed: 2 variant alleles.
Comment: TRIOBP: BP4, BS2

Labcorp Genetics (formerly Invitae), Labcorp
Classification: Likely benign. Last evaluated: 2026-01-24. Review status: criteria provided, single submitter. Criteria: Invitae Variant Classification Sherloc (09022015). Collection method: clinical testing. Allele origin: germline.

Blueprint Genetics
Classification: Likely benign. Last evaluated: 2024-11-15. Review status: criteria provided, single submitter. Criteria: ACMG Guidelines, 2015. Collection method: clinical testing. Allele origin: germline.

Ambry Genetics
Classification: Uncertain significance for Inborn genetic diseases. Last evaluated: 2021-10-29. Review status: criteria provided, single submitter. Criteria: Ambry Variant Classification Scheme 2023. Collection method: clinical testing. Allele origin: germline.

Breakthrough Genomics
Classification: Likely benign. Review status: criteria provided, single submitter. Criteria: ACMG Guidelines, 2015. Collection method: not provided. Allele origin: germline. Inheritance: Autosomal recessive inheritance. Affected: yes.

PreventionGenetics, part of Exact Sciences
Classification: Likely benign for TRIOBP-related condition. Last evaluated: 2022-02-15. Review status: no assertion criteria provided. Collection method: clinical testing. Allele origin: germline. Not counted in ClinVar's aggregate classification.
Comment: This variant is classified as likely benign based on ACMG/AMP sequence variant interpretation guidelines (Richards et al. 2015 PMID: 25741868, with internal and published modifications).

Dr. Peter K. Rogan Lab, Western University
No classification provided (evidence only). Condition: Malignant tumor of urinary bladder. Review status: no classification provided. Collection method: in vitro. Allele origin: not applicable. Functional consequence: retained intron. Not counted in ClinVar's aggregate classification.

NM_001039141.3(TRIOBP):c.1964G>A (p.Arg655Gln)

Gene: TRIOBP (TRIO and F-actin binding protein; plus strand). Cytogenetic location: 22q13.1.
Variant type: single nucleotide variant.
Coding change: c.1964G>A on transcript NM_001039141.3 (MANE Select); coding-DNA position 1964, G replaced by A.
Protein change: p.Arg655Gln; replaces arginine 655 with glutamine.
Molecular consequence: missense variant.
Genome position (GRCh38, 1-based): chr22:37,724,520, G>A. VCF-style: chr22-37724520-G-A. GRCh37 (hg19) VCF-style: chr22-38120527-G-A.
Other names: c.1964G>A (NM_001039141.2); short protein forms R655Q.
Identifiers: ClinVar variation 1585740 (VCV001585740.19), dbSNP rs148083430, ClinGen allele CA10223746.